The following is an entry in ClinVar:

ClinVar aggregate classification (germline): Uncertain significance. Review status: criteria provided, multiple submitters, no conflicts (2 of 4 stars). 2 submissions from 2 submitters: Uncertain significance (2). Last evaluated 2025-11-03.

Conditions:
TNNI3K-related disorder. Also called: TNNI3K-related condition.

Allele frequency attached by ClinVar (database versions not stated): ExAC 0.00002; TOPMed 0.00006; gnomAD 0.00007; ESP Exome Variant Server 0.00008.
gnomAD v4.1: 14 of 1,613,760 alleles (0.00087%); highest among the groups gnomAD compares: African/African-American, 0.017%; no homozygotes.

Submissions (2):

Labcorp Genetics (formerly Invitae), Labcorp
Classification: Uncertain significance. Last evaluated: 2025-11-03. Review status: criteria provided, single submitter. Criteria: Invitae Variant Classification Sherloc (09022015). Collection method: clinical testing. Allele origin: germline.
Comment: This sequence change replaces alanine, which is neutral and non-polar, with proline, which is neutral and non-polar, at codon 389 of the TNNI3K protein (p.Ala389Pro). This variant is present in population databases (rs150475385, gnomAD 0.03%). This variant has not been reported in the literature in individuals affected with TNNI3K-related conditions. ClinVar contains an entry for this variant (Variation ID: 1906967). Invitae Evidence Modeling of protein sequence and biophysical properties (such as structural, functional, and spatial information, amino acid conservation, physicochemical variation, residue mobility, and thermodynamic stability) has been performed for this missense variant. However, the output from this modeling did not meet the statistical confidence thresholds required to predict the impact of this variant on TNNI3K protein function. In summary, the available evidence is currently insufficient to determine the role of this variant in disease. Therefore, it has been classified as a Variant of Uncertain Significance.

PreventionGenetics, part of Exact Sciences
Classification: Uncertain significance for TNNI3K-related condition. Last evaluated: 2025-01-08. Review status: criteria provided, single submitter. Criteria: ACMG Guidelines, 2015. Collection method: clinical testing. Allele origin: germline.
Comment: The TNNI3K c.1165G>C variant is predicted to result in the amino acid substitution p.Ala389Pro. To our knowledge, this variant has not been reported in the literature. This variant is reported in 0.028% of alleles in individuals of African descent in gnomAD. At this time, the clinical significance of this variant is uncertain due to the absence of conclusive functional and genetic evidence.

NM_015978.3(TNNI3K):c.1165G>C (p.Ala389Pro)

Genes: FPGT-TNNI3K (FPGT-TNNI3K readthrough; plus strand), TNNI3K (TNNI3 interacting kinase; plus strand). Cytogenetic location: 1p31.1.
Variant type: single nucleotide variant.
Coding change: c.1165G>C on transcript NM_015978.3 (MANE Select); coding-DNA position 1165, G replaced by C.
Protein change: p.Ala389Pro; replaces alanine 389 with proline.
Molecular consequence: missense variant.
Genome position (GRCh38, 1-based): chr1:74,354,117, G>C. VCF-style: chr1-74354117-G-C. GRCh37 (hg19) VCF-style: chr1-74819801-G-C.
Other names: c.1468G>C, p.Ala490Pro (NM_001112808.3, NM_001199327.2); short protein forms A389P, A490P.
Identifiers: ClinVar variation 1906967 (VCV001906967.7), dbSNP rs150475385, ClinGen allele CA909168.